The following is an entry in ClinVar:

NM_007373.4(SHOC2):c.1239G>T (p.Gln413His)

Gene: SHOC2 (SHOC2 leucine rich repeat scaffold protein; plus strand). Cytogenetic location: 10q25.2.
Variant type: single nucleotide variant.
Coding change: c.1239G>T on transcript NM_007373.4 (MANE Select); coding-DNA position 1239, G replaced by T.
Protein change: p.Gln413His; replaces glutamine 413 with histidine.
Molecular consequence: missense variant. On other transcripts: non-coding transcript variant (1).
Genome position (GRCh38, 1-based): chr10:111,007,608, G>T. VCF-style: chr10-111007608-G-T. GRCh37 (hg19) VCF-style: chr10-112767366-G-T.
Other names: p.Gln413His; c.1101G>T, p.Gln367His (NM_001269039.3); c.1239G>T, p.Gln413His (NM_001324336.2, NM_001324337.2); short protein forms Q413H, Q367H.
Identifiers: ClinVar variation 220874 (VCV000220874.23), dbSNP rs200215822, ClinGen allele CA348444.

ClinVar aggregate classification (germline): Benign/Likely benign. Review status: criteria provided, multiple submitters, no conflicts (2 of 4 stars). 7 submissions from 7 submitters: Benign (1); Likely benign (5). 1 of the submissions does not count toward it. Last evaluated 2026-01-25.

Conditions:
SHOC2-related disorder. Also called: SHOC2-related condition.
RASopathy. Also called: rasopathies; Noonan spectrum disorder. Identifiers: Orphanet 536391, MedGen C5555857, MONDO:0021060.
Noonan syndrome-like disorder with loose anagen hair 1 (NSLH1). Also called: MAZZANTI SYNDROME; TOSTI SYNDROME. Identifiers: Orphanet 2701, MedGen C4478716, MONDO:0054637, OMIM 607721.

Allele frequency attached by ClinVar (database versions not stated): gnomAD 0.00005 and 0.00006; gnomAD exomes 0.00008 and 0.00015; TOPMed 0.00012; ExAC 0.00015.
gnomAD v4.1: 136 of 1,613,562 alleles (0.0084%); highest among the groups gnomAD compares: Middle Eastern, 0.016%; no homozygotes.

Submissions (7):

Labcorp Genetics (formerly Invitae), Labcorp
Classification: Likely benign for RASopathy. Last evaluated: 2026-01-25. Review status: criteria provided, single submitter. Criteria: Invitae Variant Classification Sherloc (09022015). Collection method: clinical testing. Allele origin: germline.

Mayo Clinic Laboratories, Mayo Clinic
Classification: Likely benign. Last evaluated: 2025-06-20. Review status: criteria provided, single submitter. Criteria: ACMG Guidelines, 2015. Collection method: clinical testing. Allele origin: germline. Observed: 1 variant allele.
Comment: BS1, BP4_moderate

Women's Health and Genetics/Laboratory Corporation of America, LabCorp
Classification: Likely benign. Last evaluated: 2024-11-27. Review status: criteria provided, single submitter. Criteria: LabCorp Variant Classification Summary - May 2015. Collection method: clinical testing. Allele origin: germline.
Comment: Variant summary: SHOC2 c.1239G>T (p.Gln413His) results in a non-conservative amino acid change in the encoded protein sequence. Three of five in-silico tools predict a benign effect of the variant on protein function. The variant allele was found at a frequency of 0.00015 in 251394 control chromosomes. The observed variant frequency is approximately 6.046 fold of the estimated maximal expected allele frequency for a pathogenic variant in SHOC2 causing Noonan Syndrome With Loose Anagen Hair phenotype (2.5e-05). To our knowledge, no occurrence of c.1239G>T in individuals affected with Noonan Syndrome With Loose Anagen Hair and no experimental evidence demonstrating its impact on protein function have been reported. ClinVar contains an entry for this variant (Variation ID: 220874). Based on the evidence outlined above, the variant was classified as likely benign.

Blueprint Genetics
Classification: Likely benign. Last evaluated: 2024-11-13. Review status: criteria provided, single submitter. Criteria: ACMG Guidelines, 2015. Collection method: clinical testing. Allele origin: germline.

GeneDx
Classification: Likely benign. Last evaluated: 2020-12-11. Review status: criteria provided, single submitter. Criteria: GeneDx Variant Classification Process June 2021. Collection method: clinical testing. Allele origin: germline. Affected: yes.
Comment: Has not been previously published as pathogenic or benign to our knowledge; In silico analysis, which includes protein predictors and evolutionary conservation, supports a deleterious effect; Reported in ClinVar (ClinVar Variant ID# 220874; Landrum et al., 2016)

Illumina Laboratory Services, Illumina
Classification: Benign for Noonan syndrome-like disorder with loose anagen hair 1. Last evaluated: 2018-01-13. Review status: criteria provided, single submitter. Criteria: ICSL Variant Classification Criteria 13 December 2019. Collection method: clinical testing. Allele origin: germline.
Comment: This variant was observed in the ICSL laboratory as part of a predisposition screen in an ostensibly healthy population. It had not been previously curated by ICSL or reported in the Human Gene Mutation Database (HGMD: prior to June 1st, 2018), and was therefore a candidate for classification through an automated scoring system. Utilizing variant allele frequency, disease prevalence and penetrance estimates, and inheritance mode, an automated score was calculated to assess if this variant is too frequent to cause the disease. Based on the score and internal cut-off values, a variant classified as benign is not then subjected to further curation. The score for this variant resulted in a classification of benign for this disease.

PreventionGenetics, part of Exact Sciences
Classification: Likely benign for SHOC2-related condition. Last evaluated: 2020-10-02. Review status: no assertion criteria provided. Collection method: clinical testing. Allele origin: germline. Not counted in ClinVar's aggregate classification.
Comment: This variant is classified as likely benign based on ACMG/AMP sequence variant interpretation guidelines (Richards et al. 2015 PMID: 25741868, with internal and published modifications).